The following is an entry in ClinVar:

NM_001367624.2(ZNF469):c.1017G>C (p.Gln339His)

Gene: ZNF469 (zinc finger protein 469; plus strand). Cytogenetic location: 16q24.2.
Variant type: single nucleotide variant.
Coding change: c.1017G>C on transcript NM_001367624.2 (MANE Select); coding-DNA position 1017, G replaced by C.
Protein change: p.Gln339His; replaces glutamine 339 with histidine.
Molecular consequence: missense variant.
Genome position (GRCh38, 1-based): chr16:88,428,487, G>C. VCF-style: chr16-88428487-G-C. GRCh37 (hg19) VCF-style: chr16-88494895-G-C.
Other names: NM_001127464.1:c.1017G>C; short protein forms Q339H.
Identifiers: ClinVar variation 3476179 (VCV003476179.1).
Genomic context (GRCh38, chr16:88,428,487, plus strand): 5'-CACGGGCCCTGCCTACCCGCTGCCCACCCAGCCTGCGCCCTCACCCCTGCCCTGCTACCA[G>C]GGCCAGCCAGGTGGCCTGAACCGCCACAGCGACCTCAGTGGTGCCCTCTCTTCCCCTGGA-3'
Protein context (NP_001354553.1, residues 329-349): QPAPSPLPCY[Gln339His]GQPGGLNRHS

ClinVar aggregate classification (germline): Uncertain significance (1 of 4 stars; one submission).

Conditions:
Cardiovascular phenotype. Identifiers: MedGen CN230736.

Submission:

Ambry Genetics
Classification: Uncertain significance for Cardiovascular phenotype. Last evaluated: 2024-08-07. Review status: criteria provided, single submitter. Criteria: Ambry Variant Classification Scheme 2023. Collection method: clinical testing. Allele origin: germline.
Comment: The p.Q339H variant (also known as c.1017G>C), located in coding exon 1 of the ZNF469 gene, results from a G to C substitution at nucleotide position 1017. The glutamine at codon 339 is replaced by histidine, an amino acid with highly similar properties. This amino acid position is conserved. In addition, this alteration is predicted to be tolerated by in silico analysis. Based on the available evidence, the clinical significance of this variant remains unclear.